The following is an entry in ClinVar:

ClinVar aggregate classification (germline): Pathogenic/Likely pathogenic. Review status: criteria provided, multiple submitters, no conflicts (2 of 4 stars). 3 submissions from 3 submitters: Pathogenic (2); Likely pathogenic (1). Last evaluated 2025-07-23.

Conditions:
Hypertrophic cardiomyopathy 4. Also called: Familial hypertrophic cardiomyopathy 4. Identifiers: MedGen C1861862, MONDO:0007268, OMIM 115197.
Left ventricular noncompaction 10 (LVNC10). Identifiers: Orphanet 154, Orphanet 54260, MedGen C3715165, MONDO:0014163, OMIM 615396.
Hypertrophic cardiomyopathy. Also called: HYPERTROPHIC MYOCARDIOPATHY. Identifiers: Orphanet 217569, MedGen C0007194, MeSH D002312, MONDO:0005045, HP:0001639.

Submissions (3):

Labcorp Genetics (formerly Invitae), Labcorp
Classification: Pathogenic for Hypertrophic cardiomyopathy. Last evaluated: 2025-07-23. Review status: criteria provided, single submitter. Criteria: Invitae Variant Classification Sherloc (09022015). Collection method: clinical testing. Allele origin: germline.
Comment: This sequence change creates a premature translational stop signal (p.Val385Metfs*16) in the MYBPC3 gene. It is expected to result in an absent or disrupted protein product. Loss-of-function variants in MYBPC3 are known to be pathogenic (PMID: 19574547). This variant is not present in population databases (gnomAD no frequency). This premature translational stop signal has been observed in individual(s) with hypertrophic cardiomyopathy (PMID: 15114369, 28615295). ClinVar contains an entry for this variant (Variation ID: 222706). For these reasons, this variant has been classified as Pathogenic.

GeneDx
Classification: Pathogenic. Last evaluated: 2025-02-05. Review status: criteria provided, single submitter. Criteria: GeneDx Variant Classification Process June 2021. Collection method: clinical testing. Allele origin: germline. Affected: yes.
Comment: Identified in patients with HCM in published literature (PMID: 28615295, 15114369, 36578016, 32344918); Not observed at significant frequency in large population cohorts (gnomAD); Frameshift variant predicted to result in protein truncation or nonsense mediated decay in a gene for which loss of function is a known mechanism of disease; This variant is associated with the following publications: (PMID: 36578016, 38025242, 32344918, 28615295, 15114369)

Juno Genomics, Hangzhou Juno Genomics, Inc
Classification: Likely pathogenic for Left ventricular noncompaction 10; Hypertrophic cardiomyopathy 4. Review status: criteria provided, single submitter. Criteria: ACMG Guidelines, 2015. Collection method: clinical testing. Allele origin: germline.
Comment: Absent from controls (or at extremely low frequency if recessive) in Genome Aggregation Database.;Null variant in a gene where loss of function (LOF) is a known mechanism of disease.

Literature cited by the submitters: PubMed 19574547 (cited by Labcorp Genetics (formerly Invitae), Labcorp); PubMed 15114369 (cited by Labcorp Genetics (formerly Invitae), Labcorp); PubMed 28615295 (cited by Labcorp Genetics (formerly Invitae), Labcorp).

NM_000256.3(MYBPC3):c.1153_1168del (p.Val385fs)

Gene: MYBPC3 (myosin binding protein C3; minus strand). Cytogenetic location: 11p11.2.
Variant type: Deletion.
Coding change: c.1153_1168del on transcript NM_000256.3 (MANE Select); coding-DNA positions 1153 to 1168, 16 bases deleted (GTGGAACTGGCTGACC).
Protein change: p.Val385fs; shifts the reading frame from valine 385.
Molecular consequence: frameshift variant.
Genome position (GRCh38, 1-based): chr11:47,343,547-47,343,562, GGTCAGCCAGTTCCAC deleted on the plus strand (GTGGAACTGGCTGACC on the coding strand, the reverse complement: MYBPC3 is on the minus strand); deleting any 16 consecutive bases within chr11:47,343,547-47,343,570 gives the same sequence; the c. name uses the placement nearest the transcript's 3' end. VCF-style (leftmost placement, unchanged base first): chr11-47343546-TGGTCAGCCAGTTCCAC-T. GRCh37 (hg19) VCF-style: chr11-47365097-TGGTCAGCCAGTTCCAC-T.
Other names: c.1153_1168del, p.Val385fs (LRG_386t1); c.1153_1168delGTGGAACTGGCTGACC (NM_000256.3); short protein forms V385fs.
Identifiers: ClinVar variation 222706 (VCV000222706.15), dbSNP rs869025465, ClinGen allele CA352432.
Genomic context (GRCh38, chr11:47,343,546, plus strand): 5'-CTGCACCTGCCGCTCATCTGGATCTCCTGGCCATTCTTGAGCCATTTGACCTCAGCGTCA[TGGTCAGCCAGTTCCAC>T]GGTCAGCCGGATCTTGTGGCCTTTGCTCACCTGGTAGGCCGGCTCCAGCTTCTTCTGAAA-3'